The following is an entry in ClinVar:

ClinVar aggregate classification (germline): Uncertain significance (1 of 4 stars; one submission).

Allele frequency attached by ClinVar (database versions not stated): gnomAD 0.00001; gnomAD exomes 0.00001; ExAC 0.00003.
gnomAD v4.1: 14 of 1,575,946 alleles (0.00089%); highest among the groups gnomAD compares: South Asian, 0.016%; no homozygotes.

Submission:

Labcorp Genetics (formerly Invitae), Labcorp
Classification: Uncertain significance. Last evaluated: 2021-08-27. Review status: criteria provided, single submitter. Criteria: Invitae Variant Classification Sherloc (09022015). Collection method: clinical testing. Allele origin: germline.
Comment: This sequence change replaces glycine with arginine at codon 70 of the CYP4V2 protein (p.Gly70Arg). The glycine residue is weakly conserved and there is a moderate physicochemical difference between glycine and arginine. This variant is present in population databases (rs780104160, ExAC 0.01%). This variant has not been reported in the literature in individuals affected with CYP4V2-related conditions. Advanced modeling of protein sequence and biophysical properties (such as structural, functional, and spatial information, amino acid conservation, physicochemical variation, residue mobility, and thermodynamic stability) performed at Invitae indicates that this missense variant is expected to disrupt CYP4V2 protein function. In summary, the available evidence is currently insufficient to determine the role of this variant in disease. Therefore, it has been classified as a Variant of Uncertain Significance.

NM_207352.4(CYP4V2):c.208G>C (p.Gly70Arg)

Gene: CYP4V2 (cytochrome P450 family 4 subfamily V member 2; plus strand). Cytogenetic location: 4q35.1.
Variant type: single nucleotide variant.
Coding change: c.208G>C on transcript NM_207352.4 (MANE Select); coding-DNA position 208, G replaced by C.
Protein change: p.Gly70Arg; replaces glycine 70 with arginine.
Molecular consequence: missense variant.
Genome position (GRCh38, 1-based): chr4:186,192,031, G>C. VCF-style: chr4-186192031-G-C. GRCh37 (hg19) VCF-style: chr4-187113185-G-C.
Other names: short protein forms G70R.
Identifiers: ClinVar variation 1377476 (VCV001377476.5), dbSNP rs780104160, ClinGen allele CA3162438.